The following is an entry in ClinVar:

ClinVar aggregate classification (germline): Likely benign. Review status: criteria provided, multiple submitters, no conflicts (2 of 4 stars). 2 submissions from 2 submitters: Likely benign (2). Last evaluated 2026-03-07.

Conditions:
CEP78-related disorder. Also called: CEP78-related condition.

gnomAD v4.1: 4 of 1,610,578 alleles (0.00025%); highest among the groups gnomAD compares: Admixed American, 0.0067%; no homozygotes.

Submissions (2):

PreventionGenetics, part of Exact Sciences
Classification: Likely benign for CEP78-related condition. Last evaluated: 2026-03-07. Review status: criteria provided, single submitter. Criteria: ACMG Guidelines, 2015. Collection method: clinical testing. Allele origin: germline.
Comment: This variant is classified as likely benign based on ACMG/AMP sequence variant interpretation guidelines (Richards et al. 2015 PMID: 25741868, with internal and published modifications).

Labcorp Genetics (formerly Invitae), Labcorp
Classification: Likely benign. Last evaluated: 2025-03-17. Review status: criteria provided, single submitter. Criteria: Invitae Variant Classification Sherloc (09022015). Collection method: clinical testing. Allele origin: germline.

NM_001330691.3(CEP78):c.426+10G>C

Gene: CEP78 (centrosomal protein 78; plus strand). Cytogenetic location: 9q21.2.
Variant type: single nucleotide variant.
Coding change: c.426+10G>C on transcript NM_001330691.3 (MANE Select); 10 bases into the intron after coding-DNA position 426, G replaced by C.
Molecular consequence: intron variant.
Genome position (GRCh38, 1-based): chr9:78,240,205, G>C. VCF-style: chr9-78240205-G-C. GRCh37 (hg19) VCF-style: chr9-80855121-G-C.
Other names: c.426+10G>C (NM_001349839.2, NM_001349840.2, NM_001330693.3 and 5 more transcripts).
Identifiers: ClinVar variation 3621694 (VCV003621694.3).